The following is an entry in ClinVar:

ClinVar aggregate classification (germline): Uncertain significance (1 of 4 stars; one submission).

Conditions:
Immunodeficiency, common variable, 2 (CVID2). Also called: ANTIBODY DEFICIENCY DUE TO TACI DEFECT; HYPOGAMMAGLOBULINEMIA DUE TO TACI DEFICIENCY. Identifiers: Orphanet 1572, MedGen C3150354, MONDO:0009413, OMIM 240500.

gnomAD v4.1: 9 of 1,611,442 alleles (0.00056%); highest among the groups gnomAD compares: East Asian, 0.016%; no homozygotes.

Submission:

Labcorp Genetics (formerly Invitae), Labcorp
Classification: Uncertain significance for Immunodeficiency, common variable, 2. Last evaluated: 2025-11-03. Review status: criteria provided, single submitter. Criteria: Invitae Variant Classification Sherloc (09022015). Collection method: clinical testing. Allele origin: germline.
Comment: This sequence change replaces proline, which is neutral and non-polar, with arginine, which is basic and polar, at codon 253 of the TNFRSF13B protein (p.Pro253Arg). This variant is present in population databases (rs191731200, gnomAD 0.02%). This variant has not been reported in the literature in individuals affected with TNFRSF13B-related conditions. Invitae Evidence Modeling of protein sequence and biophysical properties (such as structural, functional, and spatial information, amino acid conservation, physicochemical variation, residue mobility, and thermodynamic stability) indicates that this missense variant is not expected to disrupt TNFRSF13B protein function with a negative predictive value of 95%. In summary, the available evidence is currently insufficient to determine the role of this variant in disease. Therefore, it has been classified as a Variant of Uncertain Significance.

NM_012452.3(TNFRSF13B):c.758C>G (p.Pro253Arg)

Gene: TNFRSF13B (TNF receptor superfamily member 13B; minus strand). Cytogenetic location: 17p11.2.
Variant type: single nucleotide variant.
Coding change: c.758C>G on transcript NM_012452.3 (MANE Select); coding-DNA position 758, C replaced by G.
Protein change: p.Pro253Arg; replaces proline 253 with arginine.
Molecular consequence: missense variant.
Genome position (GRCh38, 1-based): chr17:16,939,671, G>C on the plus strand (C>G on the coding strand, the complement: TNFRSF13B is on the minus strand). VCF-style: chr17-16939671-G-C. GRCh37 (hg19) VCF-style: chr17-16842985-G-C.
Other names: short protein forms P253R.
Identifiers: ClinVar variation 4691685 (VCV004691685.1).